The following is an entry in ClinVar:

NM_001903.5(CTNNA1):c.2088C>T (p.Ser696=)

Gene: CTNNA1 (catenin alpha 1; plus strand). Cytogenetic location: 5q31.2.
Variant type: single nucleotide variant.
Coding change: c.2088C>T on transcript NM_001903.5 (MANE Select); coding-DNA position 2088, C replaced by T.
Protein change: p.Ser696=; no amino-acid change (serine 696 retained).
Molecular consequence: synonymous variant.
Genome position (GRCh38, 1-based): chr5:138,930,550, C>T. VCF-style: chr5-138930550-C-T. GRCh37 (hg19) VCF-style: chr5-138266239-C-T.
Other names: c.2088C>T, p.Ser696= (NM_001290307.3, NM_001323982.2, NM_001323983.1 and 2 more transcripts); c.1779C>T, p.Ser593= (NM_001290309.3); c.1719C>T, p.Ser573= (NM_001290310.3); c.978C>T, p.Ser326= (NM_001290312.1, NM_001323987.1, NM_001323988.1 and 17 more transcripts); c.1995C>T, p.Ser665= (NM_001323986.2); c.639C>T, p.Ser213= (NM_001324006.1, NM_001324007.1, NM_001324008.1 and 2 more transcripts); c.885C>T, p.Ser295= (NM_001324011.1); c.735C>T, p.Ser245= (NM_001324012.1, NM_001324013.1).
Identifiers: ClinVar variation 655089 (VCV000655089.15), dbSNP rs374876214, ClinGen allele CA3432117.

ClinVar aggregate classification (germline): Benign/Likely benign. Review status: criteria provided, multiple submitters, no conflicts (2 of 4 stars). 4 submissions from 4 submitters: Benign (1); Likely benign (3). Last evaluated 2025-12-29.

Conditions:
Hereditary cancer-predisposing syndrome. Also called: Neoplastic Syndromes, Hereditary; Hereditary neoplastic syndrome; Hereditary Cancer Syndrome; Tumor predisposition. Identifiers: Orphanet 140162, MedGen C0027672, MeSH D009386, MONDO:0015356.
Hereditary diffuse gastric adenocarcinoma (HDGC). Also called: DIFFUSE GASTRIC AND LOBULAR BREAST CANCER SYNDROME. Identifiers: Orphanet 26106, MedGen C1708349, MONDO:0007648, OMIM 137215.

Allele frequency attached by ClinVar (database versions not stated): gnomAD exomes 0.00001 and 0.00002; gnomAD 0.00002; TOPMed 0.00002; ExAC 0.00004; ESP Exome Variant Server 0.00008.
gnomAD v4.1: 15 of 1,613,726 alleles (0.00093%); highest among the groups gnomAD compares: African/African-American, 0.0013%; no homozygotes.

Submissions (4):

Center for Genomic Medicine, Rigshospitalet, Copenhagen University Hospital
Classification: Likely benign. Last evaluated: 2025-12-29. Review status: criteria provided, single submitter. Criteria: ACMG Guidelines, 2015. Collection method: clinical testing. Allele origin: germline.

Labcorp Genetics (formerly Invitae), Labcorp
Classification: Likely benign. Last evaluated: 2025-10-03. Review status: criteria provided, single submitter. Criteria: Invitae Variant Classification Sherloc (09022015). Collection method: clinical testing. Allele origin: germline.

Myriad Genetics, Inc.
Classification: Benign for Hereditary diffuse gastric adenocarcinoma. Last evaluated: 2024-10-14. Review status: criteria provided, single submitter. Criteria: Myriad Autosomal Dominant, Autosomal Recessive and X-Linked Classification Criteria (2023). Collection method: clinical testing. Allele origin: unknown.
Comment: This variant is considered benign. This variant is a silent/synonymous amino acid change and it is not expected to impact splicing.

Ambry Genetics
Classification: Likely benign for Hereditary cancer-predisposing syndrome. Last evaluated: 2022-03-04. Review status: criteria provided, single submitter. Criteria: Ambry Variant Classification Scheme 2023. Collection method: clinical testing. Allele origin: germline.